The following is an entry in ClinVar:

NM_005060.4(RORC):c.188C>T (p.Ala63Val)

Gene: RORC (RAR related orphan receptor C; minus strand). Cytogenetic location: 1q21.3.
Variant type: single nucleotide variant.
Coding change: c.188C>T on transcript NM_005060.4 (MANE Select); coding-DNA position 188, C replaced by T.
Protein change: p.Ala63Val; replaces alanine 63 with valine.
Molecular consequence: missense variant.
Genome position (GRCh38, 1-based): chr1:151,816,774, G>A on the plus strand (C>T on the coding strand, the complement: RORC is on the minus strand). VCF-style: chr1-151816774-G-A. GRCh37 (hg19) VCF-style: chr1-151789250-G-A.
Other names: c.125C>T, p.Ala42Val (NM_001001523.2); short protein forms A42V, A63V.
Identifiers: ClinVar variation 1013992 (VCV001013992.7), dbSNP rs143596741, ClinGen allele CA1095966.

ClinVar aggregate classification (germline): Conflicting classifications of pathogenicity. Review status: criteria provided, conflicting classifications (1 of 4 stars). 2 submissions from 2 submitters: Uncertain significance (1); Likely benign (1). Last evaluated 2023-04-12.

Conditions:
Autosomal recessive mendelian susceptibility to mycobacterial diseases due to complete RORgamma receptor deficiency. Also called: Immunodeficiency 42. Identifiers: Orphanet 477857, MedGen C5567647, MONDO:0014710, OMIM 616622.

Allele frequency attached by ClinVar (database versions not stated): ExAC 0.00001; gnomAD exomes 0.00001 and 0.00002; TOPMed 0.00002; gnomAD 0.00006 and 0.00007; ESP Exome Variant Server 0.00008.
gnomAD v4.1: 38 of 1,565,566 alleles (0.0024%); highest among the groups gnomAD compares: Middle Eastern, 0.017%; no homozygotes.

Submissions (2):

Blueprint Genetics
Classification: Likely benign. Last evaluated: 2023-04-12. Review status: criteria provided, single submitter. Criteria: ACMG Guidelines, 2015. Collection method: clinical testing. Allele origin: germline.

Labcorp Genetics (formerly Invitae), Labcorp
Classification: Uncertain significance for Autosomal recessive mendelian susceptibility to mycobacterial diseases due to complete RORgamma receptor deficiency. Last evaluated: 2021-08-31. Review status: criteria provided, single submitter. Criteria: Invitae Variant Classification Sherloc (09022015). Collection method: clinical testing. Allele origin: germline.
Comment: This sequence change replaces alanine with valine at codon 63 of the RORC protein (p.Ala63Val). The alanine residue is weakly conserved and there is a small physicochemical difference between alanine and valine. This variant is present in population databases (rs143596741, ExAC 0.002%). This variant has not been reported in the literature in individuals affected with RORC-related conditions. Algorithms developed to predict the effect of missense changes on protein structure and function output the following: SIFT: "Tolerated"; PolyPhen-2: "Benign"; Align-GVGD: "Class C0". The valine amino acid residue is found in multiple mammalian species, which suggests that this missense change does not adversely affect protein function. In summary, the available evidence is currently insufficient to determine the role of this variant in disease. Therefore, it has been classified as a Variant of Uncertain Significance.